The following is an entry in ClinVar:

ClinVar aggregate classification (germline): Uncertain significance. Review status: criteria provided, multiple submitters, no conflicts (2 of 4 stars). 2 submissions from 2 submitters: Uncertain significance (2). Last evaluated 2025-01-01.

Allele frequency attached by ClinVar (database versions not stated): gnomAD exomes 0.00005 and 0.00008; gnomAD 0.00006 and 0.00007; TOPMed 0.00006; ExAC 0.00011; 1000 Genomes Project 30x 0.00016; 1000 Genomes Project 0.00020.
gnomAD v4.1: 90 of 1,613,952 alleles (0.0056%); highest among the groups gnomAD compares: Middle Eastern, 0.12%; no homozygotes.

Submissions (2):

CeGaT Center for Human Genetics Tuebingen
Classification: Uncertain significance. Last evaluated: 2025-01-01. Review status: criteria provided, single submitter. Criteria: CeGaT Center For Human Genetics Tuebingen Variant Classification Criteria Version 2. Collection method: clinical testing. Allele origin: germline. Affected: yes. Observed: 2 variant alleles.
Comment: VPS13C: PM2, BP4

Labcorp Genetics (formerly Invitae), Labcorp
Classification: Uncertain significance. Last evaluated: 2022-08-20. Review status: criteria provided, single submitter. Criteria: Invitae Variant Classification Sherloc (09022015). Collection method: clinical testing. Allele origin: germline.
Comment: This sequence change replaces methionine, which is neutral and non-polar, with threonine, which is neutral and polar, at codon 2999 of the VPS13C protein (p.Met2999Thr). This variant is present in population databases (rs201446031, gnomAD 0.01%). This variant has not been reported in the literature in individuals affected with VPS13C-related conditions. ClinVar contains an entry for this variant (Variation ID: 871067). Algorithms developed to predict the effect of missense changes on protein structure and function (SIFT, PolyPhen-2, Align-GVGD) all suggest that this variant is likely to be tolerated. In summary, the available evidence is currently insufficient to determine the role of this variant in disease. Therefore, it has been classified as a Variant of Uncertain Significance.

NM_020821.3(VPS13C):c.8996T>C (p.Met2999Thr)

Gene: VPS13C (vacuolar protein sorting 13 homolog C; minus strand). Cytogenetic location: 15q22.2.
Variant type: single nucleotide variant.
Coding change: c.8996T>C on transcript NM_020821.3 (MANE Select); coding-DNA position 8996, T replaced by C.
Protein change: p.Met2999Thr; replaces methionine 2999 with threonine.
Molecular consequence: missense variant.
Genome position (GRCh38, 1-based): chr15:61,907,373, A>G on the plus strand (T>C on the coding strand, the complement: VPS13C is on the minus strand). VCF-style: chr15-61907373-A-G. GRCh37 (hg19) VCF-style: chr15-62199572-A-G.
Other names: c.8996T>C, p.Met2999Thr (NM_001018088.3); c.8867T>C, p.Met2956Thr (NM_017684.5, NM_018080.4); short protein forms M2999T, M2956T.
Identifiers: ClinVar variation 871067 (VCV000871067.44), dbSNP rs201446031, ClinGen allele CA7594797.